The following is an entry in ClinVar:

ClinVar aggregate classification (germline): Uncertain significance. Review status: criteria provided, multiple submitters, no conflicts (2 of 4 stars). 7 submissions from 7 submitters: Uncertain significance (7). Last evaluated 2025-10-02.

Conditions:
Bethlem myopathy 1A. Also called: Bethlem myopathy 1; MYOPATHY, BENIGN CONGENITAL, WITH CONTRACTURES; Bethlem Muscular Dystrophy. Identifiers: Orphanet 610, MedGen CN029274, MONDO:0024530, OMIM 158810.
Myosclerosis. Also called: MYOPATHY, MYOSCLEROTIC; MYOSCLEROSIS, CONGENITAL, OF LOWENTHAL; Myosclerosis, congenital. Identifiers: Orphanet 289380, MedGen C1850671, MONDO:0009714, OMIM 255600.

Allele frequency attached by ClinVar (database versions not stated): gnomAD 0.00003; gnomAD exomes 0.00003 and 0.00004; TOPMed 0.00003; ExAC 0.00004.
gnomAD v4.1: 41 of 1,613,000 alleles (0.0025%); highest among the groups gnomAD compares: South Asian, 0.016%; no homozygotes.

Submissions (7):

Labcorp Genetics (formerly Invitae), Labcorp
Classification: Uncertain significance for Bethlem myopathy 1A. Last evaluated: 2025-10-02. Review status: criteria provided, single submitter. Criteria: Invitae Variant Classification Sherloc (09022015). Collection method: clinical testing. Allele origin: germline.
Comment: This sequence change replaces arginine, which is basic and polar, with cysteine, which is neutral and slightly polar, at codon 720 of the COL6A2 protein (p.Arg720Cys). This variant is present in population databases (rs748592288, gnomAD 0.03%). This missense change has been observed in individual(s) with clinical features of COL6A2-related conditions (PMID: 31127727). ClinVar contains an entry for this variant (Variation ID: 598545). Invitae Evidence Modeling of protein sequence and biophysical properties (such as structural, functional, and spatial information, amino acid conservation, physicochemical variation, residue mobility, and thermodynamic stability) indicates that this missense variant is expected to disrupt COL6A2 protein function with a positive predictive value of 80%. In summary, the available evidence is currently insufficient to determine the role of this variant in disease. Therefore, it has been classified as a Variant of Uncertain Significance.

CeGaT Center for Human Genetics Tuebingen
Classification: Uncertain significance. Last evaluated: 2025-04-01. Review status: criteria provided, single submitter. Criteria: CeGaT Center For Human Genetics Tuebingen Variant Classification Criteria Version 2. Collection method: clinical testing. Allele origin: germline. Affected: yes. Observed: 1 variant allele.

Blueprint Genetics
Classification: Uncertain significance. Last evaluated: 2024-08-27. Review status: criteria provided, single submitter. Criteria: ACMG Guidelines, 2015. Collection method: clinical testing. Allele origin: germline.

Revvity Omics, Revvity
Classification: Uncertain significance. Last evaluated: 2023-02-28. Review status: criteria provided, single submitter. Criteria: ACMG Guidelines, 2015. Collection method: clinical testing. Allele origin: germline.

Baylor Genetics
Classification: Uncertain significance for Myosclerosis. Last evaluated: 2020-06-03. Review status: criteria provided, single submitter. Criteria: ACMG Guidelines, 2015. Collection method: clinical testing. Allele origin: unknown. Affected: yes.
Comment: This variant was determined to be of uncertain significance according to ACMG Guidelines, 2015 [PMID:25741868].

Eurofins Ntd Llc (ga)
Classification: Uncertain significance. Last evaluated: 2018-08-29. Review status: criteria provided, single submitter. Criteria: EGL ClinVar v180209 classification definitions. Collection method: clinical testing. Allele origin: germline. Observed: 1 variant allele, 1 heterozygote.

Neuberg Centre For Genomic Medicine, NCGM
Classification: Uncertain significance for Bethlem myopathy 1A. Review status: criteria provided, single submitter. Criteria: ACMG Guidelines, 2015. Collection method: clinical testing. Allele origin: germline. Inheritance: Autosomal recessive inheritance. Affected: yes.
Comment: The missense variant in c.2158C>T(p.Arg720Cys) in COL6A2 gene has not been reported previously as a pathogenic variant nor as a benign variant, to our knowledge. The p.Arg720Cys variant is novel (not in any individuals) in 1000 Genomes and has allele frequency of 0.005% in gnomAD database. This variant has been reported to the ClinVar database as Uncertain Significance (VUS). The amino acid change p.Arg720Cys in COL6A2 is predicted as conserved by GERP++ and PhyloP across 100 vertebrates. The amino acid Arg at position 720 is changed to a Cys changing protein sequence and it might alter its composition and physico-chemical properties. For these reasons, this variant has been classified as Uncertain Significance (VUS).

Literature cited by the submitters: PubMed 31127727 (cited by Labcorp Genetics (formerly Invitae), Labcorp).

NM_001849.4(COL6A2):c.2158C>T (p.Arg720Cys)

Gene: COL6A2 (collagen type VI alpha 2 chain; plus strand). Cytogenetic location: 21q22.3.
Variant type: single nucleotide variant.
Coding change: c.2158C>T on transcript NM_001849.4 (MANE Select); coding-DNA position 2158, C replaced by T.
Protein change: p.Arg720Cys; replaces arginine 720 with cysteine.
Molecular consequence: missense variant.
Genome position (GRCh38, 1-based): chr21:46,125,973, C>T. VCF-style: chr21-46125973-C-T. GRCh37 (hg19) VCF-style: chr21-47545887-C-T.
Other names: c.2158C>T, p.Arg720Cys (NM_058174.3, NM_058175.3); short protein forms R720C.
Identifiers: ClinVar variation 598545 (VCV000598545.25), dbSNP rs748592288, ClinGen allele CA10072454.